The following is an entry in ClinVar:

ClinVar aggregate classification (germline): Conflicting classifications of pathogenicity. Review status: criteria provided, conflicting classifications (1 of 4 stars). 4 submissions from 4 submitters: Uncertain significance (2); Benign (1). 1 of the submissions does not count toward it. Last evaluated 2026-06-01.

Conditions:
Spastic paraplegia. Identifiers: MedGen C0037772, HP:0001258.
Charlevoix-Saguenay spastic ataxia (SACS). Also called: SPASTIC ATAXIA 6, AUTOSOMAL RECESSIVE; Spastic ataxia of Charlevoix-Saguenay; AUTOSOMAL RECESSIVE SPASTIC ATAXIA OF CHARLEVOIX-SAGUENAY. Identifiers: Orphanet 98, MedGen C1849140, MONDO:0010041, OMIM 270550.
Inborn genetic diseases. Identifiers: MedGen C0950123, MeSH D030342.

Allele frequency attached by ClinVar (database versions not stated): gnomAD exomes 0.00002 and 0.00001; TOPMed 0.00013; ExAC 0.00003; gnomAD 0.00016 and 0.00017; ESP Exome Variant Server 0.00023.
gnomAD v4.1: 41 of 1,609,518 alleles (0.0025%); highest among the groups gnomAD compares: African/African-American, 0.054%; no homozygotes.

Submissions (4):

Ambry Genetics
Classification: Uncertain significance for Inborn genetic diseases. Last evaluated: 2026-06-01. Review status: criteria provided, single submitter. Criteria: Ambry Variant Classification Scheme 2023. Collection method: clinical testing. Allele origin: germline.
Comment: The c.2492A>G (p.E831G) alteration is located in exon 10 (coding exon 9) of the SACS gene. This alteration results from a A to G substitution at nucleotide position 2492, causing the glutamic acid (E) at amino acid position 831 to be replaced by a glycine (G). Based on data from gnomAD, the G allele has an overall frequency of 0.003% (9/280678) total alleles studied. The highest observed frequency was 0.036% (9/24924) of African alleles. This amino acid position is well conserved in available vertebrate species. Based on insufficient or conflicting evidence, the clinical significance of this alteration remains unclear.

Labcorp Genetics (formerly Invitae), Labcorp
Classification: Benign for Spastic paraplegia. Last evaluated: 2023-09-20. Review status: criteria provided, single submitter. Criteria: Invitae Variant Classification Sherloc (09022015). Collection method: clinical testing. Allele origin: germline.

Athena Diagnostics
Classification: Uncertain significance. Last evaluated: 2022-12-20. Review status: criteria provided, single submitter. Criteria: Athena Diagnostics Criteria. Collection method: clinical testing. Allele origin: unknown.
Comment: Available data are insufficient to determine the clinical significance of the variant at this time. The frequency of this variant in the general population is higher than would generally be expected for pathogenic variants in this gene. Computational tools predict that this variant is not damaging.

Natera, Inc.
Classification: Uncertain significance for Charlevoix-Saguenay type spastic ataxia. Last evaluated: 2020-09-16. Review status: no assertion criteria provided. Collection method: clinical testing. Allele origin: germline. Not counted in ClinVar's aggregate classification.

Literature cited by the submitters: PubMed 28106320 (cited by Ambry Genetics); PubMed 23280630 (cited by Athena Diagnostics).

NM_014363.6(SACS):c.2492A>G (p.Glu831Gly)

Gene: SACS (sacsin molecular chaperone; minus strand). Cytogenetic location: 13q12.12.
Variant type: single nucleotide variant.
Coding change: c.2492A>G on transcript NM_014363.6 (MANE Select); coding-DNA position 2492, A replaced by G.
Protein change: p.Glu831Gly; replaces glutamic acid 831 with glycine.
Molecular consequence: missense variant.
Genome position (GRCh38, 1-based): chr13:23,341,384, T>C on the plus strand (A>G on the coding strand, the complement: SACS is on the minus strand). VCF-style: chr13-23341384-T-C. GRCh37 (hg19) VCF-style: chr13-23915523-T-C.
Other names: c.2051A>G, p.Glu684Gly (NM_001278055.2); c.2492A>G (NM_014363.4); short protein forms E831G, E684G.
Identifiers: ClinVar variation 578062 (VCV000578062.10), dbSNP rs375968367, ClinGen allele CA6911680.